The following is an entry in ClinVar:

ClinVar aggregate classification (germline): Uncertain significance (1 of 4 stars; one submission).

Submission:

Labcorp Genetics (formerly Invitae), Labcorp
Classification: Uncertain significance. Last evaluated: 2022-07-30. Review status: criteria provided, single submitter. Criteria: Invitae Variant Classification Sherloc (09022015). Collection method: clinical testing. Allele origin: germline.
Comment: This sequence change replaces glutamic acid, which is acidic and polar, with aspartic acid, which is acidic and polar, at codon 90 of the NEK2 protein (p.Glu90Asp). In summary, the available evidence is currently insufficient to determine the role of this variant in disease. Therefore, it has been classified as a Variant of Uncertain Significance. Algorithms developed to predict the effect of missense changes on protein structure and function (SIFT, PolyPhen-2, Align-GVGD) all suggest that this variant is likely to be tolerated. This variant has not been reported in the literature in individuals affected with NEK2-related conditions. This variant is not present in population databases (gnomAD no frequency).

NM_002497.4(NEK2):c.270A>T (p.Glu90Asp)

Gene: NEK2 (NIMA related kinase 2; minus strand). Cytogenetic location: 1q32.3.
Variant type: single nucleotide variant.
Coding change: c.270A>T on transcript NM_002497.4 (MANE Select); coding-DNA position 270, A replaced by T.
Protein change: p.Glu90Asp; replaces glutamic acid 90 with aspartic acid.
Molecular consequence: missense variant.
Genome position (GRCh38, 1-based): chr1:211,674,340, T>A on the plus strand (A>T on the coding strand, the complement: NEK2 is on the minus strand). VCF-style: chr1-211674340-T-A. GRCh37 (hg19) VCF-style: chr1-211847682-T-A.
Other names: c.270A>T, p.Glu90Asp (NM_001204182.2, NM_001204183.2); short protein forms E90D.
Identifiers: ClinVar variation 1714578 (VCV001714578.5), dbSNP rs2464404373, ClinGen allele CA344784842.